The following is an entry in ClinVar:

NM_000382.3(ALDH3A2):c.798G>C (p.Lys266Asn)

Gene: ALDH3A2 (aldehyde dehydrogenase 3 family member A2; plus strand). Cytogenetic location: 17p11.2.
Variant type: single nucleotide variant.
Coding change: c.798G>C on transcript NM_000382.3 (MANE Select); coding-DNA position 798, G replaced by C.
Protein change: p.Lys266Asn; replaces lysine 266 with asparagine.
Molecular consequence: missense variant.
Genome position (GRCh38, 1-based): chr17:19,657,862, G>C. VCF-style: chr17-19657862-G-C. GRCh37 (hg19) VCF-style: chr17-19561175-G-C.
Other names: c.798G>C, p.Lys266Asn (NM_001031806.2, NM_001369136.1, NM_001369137.2 and 3 more transcripts); c.219G>C, p.Lys73Asn (NM_001369148.2); short protein forms K266N, K73N.
Identifiers: ClinVar variation 1643 (VCV000001643.9), dbSNP rs72547569, ClinGen allele CA115119.
Genomic context (GRCh38, chr17:19,657,862, plus strand): 5'-TATTCTCTGTGAAGCATCCCTCCAAAATCAAATTGTATGGAAGATTAAGGAAACAGTGAA[G>C]GTTTGTATTAAAAACATCTGATTCCACTGATTTTAATAAGATAAGGAGTCAAATTAACTA-3'
Protein context (NP_000373.1, residues 256-276): QIVWKIKETV[Lys266Asn]EFYGENIKES

ClinVar aggregate classification (germline): Pathogenic/Likely pathogenic. Review status: criteria provided, multiple submitters, no conflicts (2 of 4 stars). 4 submissions from 4 submitters: Pathogenic (1); Likely pathogenic (2). 1 of the submissions does not count toward it. Last evaluated 2025-09-02.

Conditions:
Sjögren-Larsson syndrome (SLS). Also called: ICHTHYOSIS, SPASTIC NEUROLOGIC DISORDER, AND OLIGOPHRENIA; FALDH DEFICIENCY; FATTY ALCOHOL:NAD+ OXIDOREDUCTASE DEFICIENCY; FATTY ALDEHYDE DEHYDROGENASE DEFICIENCY. Identifiers: Orphanet 816, MedGen C0037231, MONDO:0010031, OMIM 270200.

Allele frequency attached by ClinVar (database versions not stated): gnomAD exomes below 0.00001 and 0.00002; TOPMed below 0.00001; ExAC 0.00001.

Submissions (4):

Natera, Inc.
Classification: Likely pathogenic for Sjögren-Larsson syndrome. Last evaluated: 2025-09-02. Review status: criteria provided, single submitter. Criteria: Natera Variant Classification Schema (03/2026). Collection method: clinical testing. Allele origin: germline.
Comment: The c.798G>C variant in ALDH3A2 is a missense variant predicted to cause substitution of lysine to asparagine at amino acid 266. This variant is rare in the general population with a frequency below the threshold expected for the associated phenotype(s). This variant has been observed in one or more individuals affected with the associated recessive disease, as either homozygous or compound heterozygous with a second variant (PMID: 10577908, 11408337). Additionally, this variant has been observed to segregate in affected family members (PMID: 11408337). Computational prediction algorithms indicate this variant is likely to affect gene or protein function. Given the available evidence, this variant is classified as Likely Pathogenic.

Labcorp Genetics (formerly Invitae), Labcorp
Classification: Pathogenic. Last evaluated: 2025-03-04. Review status: criteria provided, single submitter. Criteria: Invitae Variant Classification Sherloc (09022015). Collection method: clinical testing. Allele origin: germline.
Comment: This sequence change replaces lysine, which is basic and polar, with asparagine, which is neutral and polar, at codon 266 of the ALDH3A2 protein (p.Lys266Asn). This variant also falls at the last nucleotide of exon 5, which is part of the consensus splice site for this exon. This variant is present in population databases (rs72547569, gnomAD 0.0009%). This missense change has been observed in individuals with Sjögren-Larsson syndrome (PMID: 11408337, 17971613). ClinVar contains an entry for this variant (Variation ID: 1643). An algorithm developed to predict the effect of missense changes on protein structure and function (PolyPhen-2) suggests that this variant is likely to be tolerated. Studies have shown that this missense change alters ALDH3A2 gene expression (PMID: 10577908). Variants that disrupt the consensus splice site are a relatively common cause of aberrant splicing (PMID: 17576681, 9536098). Algorithms developed to predict the effect of sequence changes on RNA splicing suggest that this variant may disrupt the consensus splice site. For these reasons, this variant has been classified as Pathogenic.

GeneDx
Classification: Likely pathogenic. Last evaluated: 2016-06-14. Review status: criteria provided, single submitter. Criteria: GeneDx Variant Classification (06012015). Collection method: clinical testing. Allele origin: germline. Affected: yes.
Comment: The K266N variant in the ALDH3A2 gene has been reported previously in patients with Sjogren-Larsson syndrome (SLS) (Rizzo et al., 1999; Willemsen et al., 2001). It was not observed in approximately 6,500 individuals of European and African American ancestry in the NHLBI Exome Sequencing Project, indicating it is not a common benign variant in these populations. K266N is a semi-conservative amino acid substitution, which may impact secondary protein structure as these residues differ in some properties. This substitution occurs at a position that is not conserved and in silico analysis is inconsistent in its predictions as to whether or not the variant is damaging to the protein structure/function. However, several splice prediction models predict that this variant destroys the natural splice donor site in intron 5. Therefore, the K266N variant is a strong candidate for a pathogenic variant, however the possibility it may be a rare benign variant cannot be excluded.

OMIM
Classification: Pathogenic for SJOGREN-LARSSON SYNDROME. Last evaluated: 1999-12-01. Review status: no assertion criteria provided. Collection method: literature only. Allele origin: germline. Not counted in ClinVar's aggregate classification.

Literature cited by the submitters: PubMed 10577908 (cited by 3 submitters); PubMed 11408337 (cited by Natera, Inc. and Labcorp Genetics (formerly Invitae), Labcorp); PubMed 17971613 (cited by Labcorp Genetics (formerly Invitae), Labcorp); PubMed 17576681 (cited by Labcorp Genetics (formerly Invitae), Labcorp); PubMed 9536098 (cited by Labcorp Genetics (formerly Invitae), Labcorp).